The following is an entry in ClinVar:

ClinVar aggregate classification (germline): Likely benign (1 of 4 stars; one submission).

Submission:

GeneDx
Classification: Likely benign. Last evaluated: 2018-04-23. Review status: criteria provided, single submitter. Criteria: GeneDx Variant Classification (06012015). Collection method: clinical testing. Allele origin: germline. Affected: yes.
Comment: This variant is considered likely benign or benign based on one or more of the following criteria: it is a conservative change, it occurs at a poorly conserved position in the protein, it is predicted to be benign by multiple in silico algorithms, and/or has population frequency not consistent with disease.

NM_021100.5(NFS1):c.273G>T (p.Arg91=)

Gene: NFS1 (NFS1 cysteine desulfurase; minus strand). Cytogenetic location: 20q11.22.
Variant type: single nucleotide variant.
Coding change: c.273G>T on transcript NM_021100.5 (MANE Select); coding-DNA position 273, G replaced by T.
Protein change: p.Arg91=; no amino-acid change (arginine 91 retained).
Molecular consequence: synonymous variant. On other transcripts: non-coding transcript variant (1).
Genome position (GRCh38, 1-based): chr20:35,697,735, C>A on the plus strand (G>T on the coding strand, the complement: NFS1 is on the minus strand). VCF-style: chr20-35697735-C-A. GRCh37 (hg19) VCF-style: chr20-34285657-C-A.
Other names: c.273G>T, p.Arg91= (NM_001198989.2).
Identifiers: ClinVar variation 681956 (VCV000681956.1), dbSNP rs769299385, ClinGen allele CA510336557.